The following is an entry in ClinVar:

NM_001386140.1(MTTP):c.1780C>T (p.Arg594Cys)

Gene: MTTP (microsomal triglyceride transfer protein; plus strand). Cytogenetic location: 4q23.
Variant type: single nucleotide variant.
Coding change: c.1780C>T on transcript NM_001386140.1 (MANE Select); coding-DNA position 1780, C replaced by T.
Protein change: p.Arg594Cys; replaces arginine 594 with cysteine.
Molecular consequence: missense variant.
Genome position (GRCh38, 1-based): chr4:99,611,153, C>T. VCF-style: chr4-99611153-C-T. GRCh37 (hg19) VCF-style: chr4-100532310-C-T.
Other names: c.1780C>T, p.Arg594Cys (NM_000253.4); c.1531C>T, p.Arg511Cys (NM_001300785.2); c.1780C>T (NM_000253.2); short protein forms R594C, R511C.
Identifiers: ClinVar variation 1411522 (VCV001411522.7), dbSNP rs561968572, ClinGen allele CA3022200.

ClinVar aggregate classification (germline): Uncertain significance. Review status: criteria provided, multiple submitters, no conflicts (2 of 4 stars). 2 submissions from 2 submitters: Uncertain significance (2). Last evaluated 2025-12-11.

Conditions:
Inborn genetic diseases. Identifiers: MedGen C0950123, MeSH D030342.

Allele frequency attached by ClinVar (database versions not stated): gnomAD exomes 0.00001 and 0.00002; TOPMed 0.00001; ExAC 0.00002; gnomAD 0.00002 and 0.00003; 1000 Genomes Project 30x 0.00031; 1000 Genomes Project 0.00040.
gnomAD v4.1: 16 of 1,613,634 alleles (0.00099%); highest among the groups gnomAD compares: South Asian, 0.0088%; no homozygotes.

Submissions (2):

Ambry Genetics
Classification: Uncertain significance for Inborn genetic diseases. Last evaluated: 2025-12-11. Review status: criteria provided, single submitter. Criteria: Ambry Variant Classification Scheme 2023. Collection method: clinical testing. Allele origin: germline.

Labcorp Genetics (formerly Invitae), Labcorp
Classification: Uncertain significance. Last evaluated: 2025-04-08. Review status: criteria provided, single submitter. Criteria: Invitae Variant Classification Sherloc (09022015). Collection method: clinical testing. Allele origin: germline.
Comment: This sequence change replaces arginine, which is basic and polar, with cysteine, which is neutral and slightly polar, at codon 594 of the MTTP protein (p.Arg594Cys). This variant is present in population databases (rs561968572, gnomAD 0.006%). This variant has not been reported in the literature in individuals affected with MTTP-related conditions. ClinVar contains an entry for this variant (Variation ID: 1411522). Invitae Evidence Modeling of protein sequence and biophysical properties (such as structural, functional, and spatial information, amino acid conservation, physicochemical variation, residue mobility, and thermodynamic stability) indicates that this missense variant is expected to disrupt MTTP protein function with a positive predictive value of 80%. In summary, the available evidence is currently insufficient to determine the role of this variant in disease. Therefore, it has been classified as a Variant of Uncertain Significance.